The following is an entry in ClinVar:

NM_018076.5(ODAD2):c.1972G>T (p.Glu658Ter)

Gene: ODAD2 (outer dynein arm docking complex subunit 2; minus strand). Cytogenetic location: 10p12.1.
Variant type: single nucleotide variant.
Coding change: c.1972G>T on transcript NM_018076.5 (MANE Select); coding-DNA position 1972, G replaced by T.
Protein change: p.Glu658Ter; replaces glutamic acid 658 with a stop codon.
Molecular consequence: nonsense.
Genome position (GRCh38, 1-based): chr10:27,940,577, C>A on the plus strand (G>T on the coding strand, the complement: ODAD2 is on the minus strand). VCF-style: chr10-27940577-C-A. GRCh37 (hg19) VCF-style: chr10-28229506-C-A.
Other names: c.1972G>T (NM_001290020.1); c.1972G>T, p.Glu658Ter (NM_001290020.2); c.547G>T, p.Glu183Ter (NM_001290021.2); c.1048G>T, p.Glu350Ter (NM_001312689.2); short protein forms E658*, E183*, E350*.
Identifiers: ClinVar variation 101070 (VCV000101070.8), dbSNP rs587777199, ClinGen allele CA214701.

ClinVar aggregate classification (germline): Pathogenic. Review status: criteria provided, multiple submitters, no conflicts (2 of 4 stars). 3 submissions from 3 submitters: Pathogenic (2). 1 of the submissions does not count toward it. Last evaluated 2025-08-15.

Conditions:
Primary ciliary dyskinesia 23 (CILD23). Also called: CILIARY DYSKINESIA, PRIMARY, 23, WITH OR WITHOUT SITUS INVERSUS. Identifiers: Orphanet 244, MedGen C3809548, MONDO:0014193, OMIM 615451.
Primary ciliary dyskinesia. Also called: Ciliary dyskinesia. Identifiers: Orphanet 244, MedGen C0008780, MONDO:0016575, HP:0012265.

Allele frequency attached by ClinVar (database versions not stated): gnomAD below 0.00001 and 0.00001; ExAC 0.00002.
gnomAD v4.1: 14 of 1,613,986 alleles (0.00087%); highest among the groups gnomAD compares: South Asian, 0.015%; no homozygotes.

Submissions (3):

Department of Genetics, Sultan Qaboos University Hospital
Classification: Pathogenic for Primary ciliary dyskinesia. Last evaluated: 2025-08-15. Review status: criteria provided, single submitter. Criteria: ACMG Guidelines, 2015. Collection method: research. Allele origin: germline. Affected: yes.

Labcorp Genetics (formerly Invitae), Labcorp
Classification: Pathogenic for Primary ciliary dyskinesia 23. Last evaluated: 2017-09-27. Review status: criteria provided, single submitter. Criteria: Invitae Variant Classification Sherloc (09022015). Collection method: clinical testing. Allele origin: germline.
Comment: This variant has been reported as homozygous and to segregate with primary ciliary dyskinesia in a single family (PMID: 24203976). ClinVar contains an entry for this variant (Variation ID: 101070). Loss-of-function variants in ARMC4 are known to be pathogenic (PMID: 23849778). For these reasons, this variant has been classified as Pathogenic. This variant is present in population databases (rs587777199, ExAC 0.01%). This sequence change creates a premature translational stop signal (p.Glu658*) in the ARMC4 gene. It is expected to result in an absent or disrupted protein product.

OMIM
Classification: Pathogenic for CILIARY DYSKINESIA, PRIMARY, 23. Last evaluated: 2014-01-01. Review status: no assertion criteria provided. Collection method: literature only. Allele origin: germline. Not counted in ClinVar's aggregate classification.

Literature cited by the submitters: PubMed 24203976 (cited by Labcorp Genetics (formerly Invitae), Labcorp and OMIM); PubMed 23849778 (cited by Labcorp Genetics (formerly Invitae), Labcorp).